The following is an entry in ClinVar:

ClinVar aggregate classification (germline): Likely pathogenic. Review status: criteria provided, multiple submitters, no conflicts (2 of 4 stars). 2 submissions from 2 submitters: Likely pathogenic (2). Last evaluated 2025-03-07.

Conditions:
Glutaric acidemia type 2A.
Multiple acyl-CoA dehydrogenase deficiency (MADD). Also called: Glutaric Acidemia type 2; ETHYLMALONIC-ADIPICACIDURIA; GA II; Glutaric aciduria, type 2; Glutaric acidemia type II; GA 2. Identifiers: Orphanet 26791, MedGen C0268596, MONDO:0009282, OMIM 231680.

Submissions (2):

Natera, Inc.
Classification: Likely pathogenic for Glutaric acidemia type 2A. Last evaluated: 2025-03-07. Review status: criteria provided, single submitter. Criteria: Natera Variant Classification Schema (03/2026). Collection method: clinical testing. Allele origin: germline.
Comment: The c.658_664+3del variant in ETFA is a frameshift variant predicted to shift the reading frame and introduce a stop codon. This variant is expected to result in nonsense mediated decay, truncation, or a dysfunctional protein product. This variant is rare in the general population with a frequency below the threshold expected for the associated phenotype(s). Given the available evidence, this variant is classified as Likely Pathogenic.

Labcorp Genetics (formerly Invitae), Labcorp
Classification: Likely pathogenic for Multiple acyl-CoA dehydrogenase deficiency. Last evaluated: 2021-12-12. Review status: criteria provided, single submitter. Criteria: Invitae Variant Classification Sherloc (09022015). Collection method: clinical testing. Allele origin: germline.
Comment: This variant has not been reported in the literature in individuals affected with ETFA-related conditions. This variant results in the deletion of part of exon 7 (c.658_664+3del) of the ETFA gene. It is expected to disrupt RNA splicing. Variants that disrupt the donor or acceptor splice site typically lead to a loss of protein function (PMID: 16199547), and loss-of-function variants in ETFA are known to be pathogenic (PMID: 16510302, 23785301). This variant is not present in population databases (gnomAD no frequency). Algorithms developed to predict the effect of sequence changes on RNA splicing suggest that this variant may disrupt the consensus splice site. In summary, the currently available evidence indicates that the variant is pathogenic, but additional data are needed to prove that conclusively. Therefore, this variant has been classified as Likely Pathogenic.

Literature cited by the submitters: PubMed 16199547 (cited by Labcorp Genetics (formerly Invitae), Labcorp); PubMed 16510302 (cited by Labcorp Genetics (formerly Invitae), Labcorp); PubMed 23785301 (cited by Labcorp Genetics (formerly Invitae), Labcorp).

NM_000126.4(ETFA):c.658_664+3del

Gene: ETFA (electron transfer flavoprotein subunit alpha; minus strand). Cytogenetic location: 15q24.2.
Variant type: Deletion.
Coding change: c.658_664+3del on transcript NM_000126.4 (MANE Select); coding-DNA position 658 through 3 bases into the intron after coding-DNA position 664, 10 bases deleted (TCTGGTGGTA; older notation c.658_664+3delTCTGGTGGTA).
Molecular consequence: splice donor variant.
Genome position (GRCh38, 1-based): chr15:76,285,634-76,285,643, TACCACCAGA deleted on the plus strand (TCTGGTGGTA on the coding strand, the reverse complement: ETFA is on the minus strand); deleting any 10 consecutive bases within chr15:76,285,634-76,285,651 gives the same sequence; the c. name uses the placement nearest the transcript's 3' end. VCF-style (leftmost placement, unchanged base first): chr15-76285633-TTACCACCAGA-T. GRCh37 (hg19) VCF-style: chr15-76577974-TTACCACCAGA-T.
Other names: c.511_517+3del (NM_001127716.2); c.658_664+3del (NM_000126.3).
Identifiers: ClinVar variation 2040138 (VCV002040138.6), dbSNP rs2543022168, ClinGen allele CA2575796976.
Genomic context (GRCh38, chr15:76,285,633, plus strand): 5'-AAAAATAAAAAAAAAAATCAAAGTATTTTCAATTTACATCTTTTAAGATTAATATTTCAC[TTACCACCAGA>T]TACCACCACTTTGGCACCTGTTAGCTCTGGTCGATCACTTTTTGTTAATTTCTGGTCAAG-3'